The following is an entry in ClinVar:

NM_000094.4(COL7A1):c.4391C>T (p.Pro1464Leu)

Gene: COL7A1 (collagen type VII alpha 1 chain; minus strand). Cytogenetic location: 3p21.31.
Variant type: single nucleotide variant.
Coding change: c.4391C>T on transcript NM_000094.4 (MANE Select); coding-DNA position 4391, C replaced by T.
Protein change: p.Pro1464Leu; replaces proline 1464 with leucine.
Molecular consequence: missense variant.
Genome position (GRCh38, 1-based): chr3:48,583,566, G>A on the plus strand (C>T on the coding strand, the complement: COL7A1 is on the minus strand). VCF-style: chr3-48583566-G-A. GRCh37 (hg19) VCF-style: chr3-48620999-G-A.
Other names: c.4391C>T (NM_000094.3); short protein forms P1464L.
Identifiers: ClinVar variation 991839 (VCV000991839.3), dbSNP rs763147984, ClinGen allele CA2380073.

ClinVar aggregate classification (germline): Uncertain significance. Review status: criteria provided, multiple submitters, no conflicts (2 of 4 stars). 3 submissions from 3 submitters: Uncertain significance (2). 1 of the submissions does not count toward it. Last evaluated 2026-05-26.

Conditions:
Epidermolysis bullosa dystrophica inversa, autosomal recessive. Identifiers: MedGen C2673612.
Recessive dystrophic epidermolysis bullosa (RDEB). Also called: EPIDERMOLYSIS BULLOSA DYSTROPHICA, GENERALIZED SEVERE, AUTOSOMAL RECESSIVE; Hallopeau-Siemens Disease; severe generalized recessive dystrophic epidermolysis bullosa; epidermolysis bullosa dystrophica, autosomal recessive; Recessive DEB (RDEB); DYSTROPHIC EPIDERMOLYSIS BULLOSA, AUTOSOMAL RECESSIVE. Identifiers: Orphanet 79408, Orphanet 79409, MedGen C0079474, MONDO:0009179, OMIM 226600.
Inborn genetic diseases. Identifiers: MedGen C0950123, MeSH D030342.

Allele frequency attached by ClinVar (database versions not stated): gnomAD exomes 0.00001 and 0.00004; ExAC 0.00006.
gnomAD v4.1: 20 of 1,613,998 alleles (0.0012%); highest among the groups gnomAD compares: South Asian, 0.0055%; no homozygotes.

Submissions (3):

Myriad Genetics, Inc.
Classification: Uncertain significance for Recessive dystrophic epidermolysis bullosa. Last evaluated: 2026-05-26. Review status: criteria provided, single submitter. Criteria: Myriad Autosomal Dominant, Autosomal Recessive and X-Linked Classification Criteria (2023). Collection method: clinical testing. Allele origin: unknown.
Comment: NM_000094.3(COL7A1):c.4391C>T(P1464L) is a missense variant classified as a variant of uncertain significance in the context of dystrophic epidermolysis bullosa. P1464L has been observed in a case with relevant disease (PMID: 39141798). Relevant functional assessments of this variant are not available in the literature. P1464L has been observed in referenced population frequency databases. In summary, there is insufficient evidence to classify NM_000094.3(COL7A1):c.4391C>T(P1464L) as pathogenic or benign. Please note: this variant was assessed in the context of healthy population screening.

Ambry Genetics
Classification: Uncertain significance for Inborn genetic diseases. Last evaluated: 2025-07-15. Review status: criteria provided, single submitter. Criteria: Ambry Variant Classification Scheme 2023. Collection method: clinical testing. Allele origin: germline.

Natera, Inc.
Classification: Uncertain significance for Autosomal recessive epidermolysis bullosa dystrophica inversa. Last evaluated: 2020-08-30. Review status: no assertion criteria provided. Collection method: clinical testing. Allele origin: germline. Not counted in ClinVar's aggregate classification.

Literature cited by the submitters: PubMed 39141798 (cited by Myriad Genetics, Inc.).